The following is an entry in ClinVar:

NM_020208.4(SLC6A20):c.*2647T>C

Gene: SLC6A20 (solute carrier family 6 member 20; minus strand). Cytogenetic location: 3p21.31.
Variant type: single nucleotide variant.
Coding change: c.*2647T>C on transcript NM_020208.4 (MANE Select); 2647 bases downstream of the stop codon, T replaced by C.
Molecular consequence: 3 prime UTR variant.
Genome position (GRCh38, 1-based): chr3:45,756,331, A>G on the plus strand (T>C on the coding strand, the complement: SLC6A20 is on the minus strand). VCF-style: chr3-45756331-A-G. GRCh37 (hg19) VCF-style: chr3-45797823-A-G.
Other names: c.*2647T>C (NM_022405.4).
Identifiers: ClinVar variation 345352 (VCV000345352.5), dbSNP rs115438130, ClinGen allele CA10618577.

ClinVar aggregate classification (germline): Likely benign (1 of 4 stars; one submission).

Conditions:
Hyperglycinuria. Also called: GLYCINURIA WITH OR WITHOUT OXALATE NEPHROLITHIASIS; GLYCINURIA WITH OR WITHOUT OXALATE UROLITHIASIS; IMINOGLYCINURIA TYPE II. Identifiers: MedGen C0543541, MONDO:0007677, OMIM 138500, HP:0003108.

Allele frequency attached by ClinVar (database versions not stated): 1000 Genomes Project 0.00799; gnomAD 0.00799 and 0.00847; 1000 Genomes Project 30x 0.00874; TOPMed 0.00926.

Submission:

Illumina Laboratory Services, Illumina
Classification: Likely benign for Hyperglycinuria. Last evaluated: 2018-01-12. Review status: criteria provided, single submitter. Criteria: ICSL Variant Classification Criteria 13 December 2019. Collection method: clinical testing. Allele origin: germline.
Comment: This variant was observed in the ICSL laboratory as part of a predisposition screen in an ostensibly healthy population. It had not been previously curated by ICSL or reported in the Human Gene Mutation Database (HGMD: prior to June 1st, 2018), and was therefore a candidate for classification through an automated scoring system. Utilizing variant allele frequency, disease prevalence and penetrance estimates, and inheritance mode, an automated score was calculated to assess if this variant is too frequent to cause the disease. Based on the score and internal cut-off values, a variant classified as likely benign is not then subjected to further curation. The score for this variant resulted in a classification of likely benign for this disease.